The following is an entry in ClinVar:

NM_000179.3(MSH6):c.4001+2T>C

Gene: MSH6 (mutS homolog 6; plus strand). Cytogenetic location: 2p16.3.
Variant type: single nucleotide variant.
Coding change: c.4001+2T>C on transcript NM_000179.3 (MANE Select); the canonical splice donor site of the intron after coding-DNA position 4001, T replaced by C.
Molecular consequence: splice donor variant. On other transcripts: intron variant (1).
Genome position (GRCh38, 1-based): chr2:47,806,653, T>C. VCF-style: chr2-47806653-T-C. GRCh37 (hg19) VCF-style: chr2-48033792-T-C.
Other names: c.4001+2T>C (NM_001406809.1, NM_001406796.1, NM_001406808.1); c.3095+2T>C (NM_001406811.1, NM_001406814.1, NM_001281493.2 and 6 more transcripts); c.3704+2T>C (NM_001406805.1, NM_001406797.1, NM_001406801.1 and 10 more transcripts); c.4097+2T>C (NM_001406795.1); c.3898-126T>C (NM_001406802.1); c.4007+2T>C (NM_001406813.1); c.3476+2T>C (NM_001406807.1, NM_001406799.1, NM_001406806.1); c.*22+2T>C (NM_001406800.1); and 9 more.
Identifiers: ClinVar variation 89501 (VCV000089501.27), dbSNP rs267608131, ClinGen allele CA015138.

ClinVar aggregate classification (germline): Pathogenic. Review status: reviewed by expert panel (3 of 4 stars). 7 submissions from 7 submitters: Pathogenic (1). 6 of the submissions do not count toward it. Last evaluated 2013-09-05.

Conditions:
Lynch syndrome. Identifiers: Orphanet 144, MedGen C4552100, MONDO:0005835. Disease mechanism: loss of function.
Lynch syndrome 5 (LYNCH5). Also called: Colorectal cancer, hereditary nonpolyposis, type 5; Hereditary non-polyposis colorectal cancer, type 5. Identifiers: Orphanet 144, MedGen C1833477, MONDO:0013710, OMIM 614350. Disease mechanism: loss of function.
Hereditary cancer-predisposing syndrome. Also called: Tumor predisposition; Hereditary Cancer Syndrome; Hereditary neoplastic syndrome; Neoplastic Syndromes, Hereditary. Identifiers: Orphanet 140162, MedGen C0027672, MeSH D009386, MONDO:0015356.
Hereditary nonpolyposis colorectal neoplasms. Identifiers: MedGen C0009405, MeSH D003123.

Allele frequency attached by ClinVar (database versions not stated): gnomAD exomes below 0.00001.

Submissions (7):

International Society for Gastrointestinal Hereditary Tumours (InSiGHT)
Classification: Pathogenic for Lynch Syndrome. Last evaluated: 2013-09-05. Review status: reviewed by expert panel. Criteria: Guidelines v1.9. Collection method: research. Allele origin: germline.
Comment: Variant causes splicing aberration, >2 MSI-H, co-segregation with disease & absent in 1000 genomes

Classified with v1.9 guidelines

Labcorp Genetics (formerly Invitae), Labcorp
Classification: Pathogenic for Hereditary nonpolyposis colorectal neoplasms. Last evaluated: 2025-12-29. Review status: criteria provided, single submitter. Criteria: Invitae Variant Classification Sherloc (09022015). Collection method: clinical testing. Allele origin: germline. Not counted in ClinVar's aggregate classification.
Comment: This sequence change affects a donor splice site in intron 9 of the MSH6 gene. RNA analysis indicates that disruption of this splice site induces altered splicing and likely disrupts the C-terminus of the protein. This variant is not present in population databases (gnomAD no frequency). Disruption of this splice site has been observed in individuals with Lynch syndrome (PMID: 18566915, 21836479, 22495361, 25648859). It has also been observed to segregate with disease in related individuals. ClinVar contains an entry for this variant (Variation ID: 89501). Variants that disrupt the consensus splice site are a relatively common cause of aberrant splicing (PMID: 17576681, 9536098). Studies have shown that disruption of this splice site results in skipping of exon 9 and introduces a new termination codon (internal data). However the mRNA is not expected to undergo nonsense-mediated decay. For these reasons, this variant has been classified as Pathogenic.

Center for Genomic Medicine, Rigshospitalet, Copenhagen University Hospital
Classification: Pathogenic. Last evaluated: 2025-03-04. Review status: criteria provided, single submitter. Criteria: ACMG Guidelines, 2015. Collection method: clinical testing. Allele origin: germline. Not counted in ClinVar's aggregate classification.

Department of Clinical Genetics, Copenhagen University Hospital, Rigshospitalet
Classification: Likely pathogenic for Lynch syndrome. Last evaluated: 2025-02-04. Review status: criteria provided, single submitter. Criteria: ACMG Guidelines, 2015. Collection method: clinical testing. Allele origin: germline. Not counted in ClinVar's aggregate classification.
Comment: PVS1_MOD; PP4_MOD; PM2_SUP; PP1

Clinical Genetics Laboratory, Skane University Hospital Lund
Classification: Pathogenic. Last evaluated: 2024-02-08. Review status: criteria provided, single submitter. Criteria: ACMG Guidelines, 2015. Collection method: clinical testing. Allele origin: germline. Affected: yes. Not counted in ClinVar's aggregate classification.

Myriad Genetics, Inc.
Classification: Likely pathogenic for Lynch syndrome 5. Last evaluated: 2023-08-29. Review status: criteria provided, single submitter. Criteria: Myriad Autosomal Dominant, Autosomal Recessive and X-Linked Classification Criteria (2023). Collection method: clinical testing. Allele origin: unknown. Not counted in ClinVar's aggregate classification.
Comment: This variant is considered likely pathogenic. This variant occurs within a consensus splice junction and is predicted to result in abnormal mRNA splicing of either an out-of-frame exon or an in-frame exon necessary for protein stability and/or normal function.

Ambry Genetics
Classification: Pathogenic for Hereditary cancer-predisposing syndrome. Last evaluated: 2022-09-15. Review status: criteria provided, single submitter. Criteria: Ambry Variant Classification Scheme 2023. Collection method: clinical testing. Allele origin: germline. Not counted in ClinVar's aggregate classification.
Comment: The c.4001+2T>C intronic pathogenic mutation results from a T to C substitution two nucleotides after coding exon 9 in the MSH6 gene. This alteration occurs at the 3' terminus of the MSH6 gene and is not expected to trigger nonsense-mediated mRNA decay. The exact functional effect of this alteration is unknown; however, the impacted region is critical for protein function (Ambry internal data). This mutation has been reported in several Danish HNPCC/Lynch syndrome families (Nilbert M et al. Fam. Cancer 2009;8(1):75-83; Jensen UB et al. Breast Cancer Res. Treat., 2010 Apr;120:777-82; Okkels H et al. Appl Immunohistochem Mol Morphol. 2012 Oct;20(5):470-7; Therkildsen C et al. Eur. J. Neurol., 2015 Apr;22:717-24). This variant has also been identified in probands whose HNPCC/Lynch syndrome-associated tumors demonstrated loss of MSH6 expression by immunohistochemistry (Ambry internal data). RNA studies have demonstrated that this alteration results in abnormal splicing in the set of samples tested (Ambry internal data). Based on the supporting evidence, this alteration is interpreted as a disease-causing mutation.

Literature cited by the submitters: PubMed 18566915 (cited by Labcorp Genetics (formerly Invitae), Labcorp and Center for Genomic Medicine, Rigshospitalet, Copenhagen University Hospital); PubMed 21836479 (cited by 3 submitters); PubMed 22495361 (cited by Labcorp Genetics (formerly Invitae), Labcorp and Center for Genomic Medicine, Rigshospitalet, Copenhagen University Hospital); PubMed 25648859 (cited by 3 submitters); PubMed 17576681 (cited by Labcorp Genetics (formerly Invitae), Labcorp); PubMed 9536098 (cited by Labcorp Genetics (formerly Invitae), Labcorp); PubMed 19575290 (cited by Ambry Genetics).